The following is an entry in ClinVar:

NM_206933.4(USH2A):c.14945A>G (p.Tyr4982Cys)

Gene: USH2A (usherin; minus strand). Cytogenetic location: 1q41.
Variant type: single nucleotide variant.
Coding change: c.14945A>G on transcript NM_206933.4 (MANE Select); coding-DNA position 14945, A replaced by G.
Protein change: p.Tyr4982Cys; replaces tyrosine 4982 with cysteine.
Molecular consequence: missense variant.
Genome position (GRCh38, 1-based): chr1:215,640,581, T>C on the plus strand (A>G on the coding strand, the complement: USH2A is on the minus strand). VCF-style: chr1-215640581-T-C. GRCh37 (hg19) VCF-style: chr1-215813923-T-C.
Other names: short protein forms Y4982C.
Identifiers: ClinVar variation 2147589 (VCV002147589.4), dbSNP rs778003684, ClinGen allele CA1392879.

ClinVar aggregate classification (germline): Conflicting classifications of pathogenicity. Review status: criteria provided, conflicting classifications (1 of 4 stars). 2 submissions from 2 submitters: Uncertain significance (1); Likely benign (1). Last evaluated 2024-10-21.

Allele frequency attached by ClinVar (database versions not stated): gnomAD exomes below 0.00001; ExAC 0.00001; gnomAD 0.00002; TOPMed 0.00002.
gnomAD v4.1: 5 of 1,613,608 alleles (0.00031%); highest among the groups gnomAD compares: African/African-American, 0.0027%; no homozygotes.

Submissions (2):

Labcorp Genetics (formerly Invitae), Labcorp
Classification: Uncertain significance. Last evaluated: 2024-10-21. Review status: criteria provided, single submitter. Criteria: Invitae Variant Classification Sherloc (09022015). Collection method: clinical testing. Allele origin: germline.
Comment: This sequence change replaces tyrosine, which is neutral and polar, with cysteine, which is neutral and slightly polar, at codon 4982 of the USH2A protein (p.Tyr4982Cys). This variant is present in population databases (rs778003684, gnomAD 0.0009%). This missense change has been observed in individual(s) with clinical features of Usher syndrome, type 2A (internal data). ClinVar contains an entry for this variant (Variation ID: 2147589). Invitae Evidence Modeling of protein sequence and biophysical properties (such as structural, functional, and spatial information, amino acid conservation, physicochemical variation, residue mobility, and thermodynamic stability) indicates that this missense variant is not expected to disrupt USH2A protein function with a negative predictive value of 95%. In summary, the available evidence is currently insufficient to determine the role of this variant in disease. Therefore, it has been classified as a Variant of Uncertain Significance.

Blueprint Genetics
Classification: Likely benign. Last evaluated: 2021-10-17. Review status: criteria provided, single submitter. Criteria: ACMG Guidelines, 2015. Collection method: clinical testing. Allele origin: germline.